The following is an entry in ClinVar:

ClinVar aggregate classification (germline): Likely benign. Review status: reviewed by expert panel (3 of 4 stars). 6 submissions from 6 submitters: Likely benign (1). 5 of the submissions do not count toward it. Last evaluated 2017-06-29.

Conditions:
Hereditary cancer-predisposing syndrome. Also called: Hereditary Cancer Syndrome; Neoplastic Syndromes, Hereditary; Tumor predisposition; Hereditary neoplastic syndrome. Identifiers: Orphanet 140162, MedGen C0027672, MeSH D009386, MONDO:0015356.
Breast-ovarian cancer, familial, susceptibility to, 2 (BROVCA2). Also called: BRCA2 Hereditary Breast and Ovarian Cancer. Identifiers: Orphanet 145, MedGen C2675520, MONDO:0012933, OMIM 612555. Disease mechanism: loss of function.
Hereditary breast ovarian cancer syndrome. Also called: Hereditary breast and/or ovarian cancer syndrome; BRCA1- and BRCA2-Associated Hereditary Breast and Ovarian Cancer; Hereditary breast and ovarian cancer syndrome (HBOC); Hereditary breast and ovarian cancer; Hereditary breast and ovarian cancer syndrome; Breast and ovarian cancer. Identifiers: Orphanet 145, MedGen C0677776, MeSH D061325, MONDO:0003582. Disease mechanism: loss of function.

Allele frequency attached by ClinVar (database versions not stated): gnomAD exomes below 0.00001.
gnomAD v4.1: 2 of 1,599,538 alleles (0.00013%); highest among the groups gnomAD compares: Non-Finnish European, 0.00017%; no homozygotes.

Submissions (6):

Evidence-based Network for the Interpretation of Germline Mutant Alleles (ENIGMA)
Classification: Likely benign for Breast-ovarian cancer, familial, susceptibility to, 2. Last evaluated: 2017-06-29. Review status: reviewed by expert panel. Criteria: ENIGMA BRCA1/2 Classification Criteria (2017-06-29). Collection method: curation. Allele origin: germline.
Comment: Synonymous substitution variant, with low bioinformatic likelihood to result in a splicing aberration (Splicing prior probability 0.02).

Labcorp Genetics (formerly Invitae), Labcorp
Classification: Likely benign for Hereditary breast ovarian cancer syndrome. Last evaluated: 2025-12-29. Review status: criteria provided, single submitter. Criteria: Invitae Variant Classification Sherloc (09022015). Collection method: clinical testing. Allele origin: germline. Not counted in ClinVar's aggregate classification.

Quest Diagnostics Nichols Institute San Juan Capistrano
Classification: Uncertain significance. Last evaluated: 2025-09-16. Review status: criteria provided, single submitter. Criteria: Quest Diagnostics criteria. Collection method: clinical testing. Allele origin: unknown. Not counted in ClinVar's aggregate classification.
Comment: The BRCA2 c.1806A>G (p.Gly602=) synonymous variant has been reported in the published literature in at least one individual with breast and/or ovarian cancer (PMID: 32486089 (2020)). An experimental study indicated that this variant has a damaging effect on protein function using a CRISPR-Cas9 genome editing screening assay (PMID: 33691754 (2021)), however, further studies are required to confirm this observation. This variant has not been reported in large, multi-ethnic general populations (Genome Aggregation Database). Analysis of this variant using software algorithms for the prediction of the effect of nucleotide changes on splicing yielded predictions that this variant does not affect BRCA2 mRNA splicing. Based on the available information, we are unable to determine the clinical significance of this variant.

All of Us Research Program, National Institutes of Health
Classification: Likely benign for Breast-ovarian cancer, familial, susceptibility to, 2. Last evaluated: 2023-06-26. Review status: criteria provided, single submitter. Criteria: ACMG Guidelines, 2015. Collection method: clinical testing. Allele origin: germline. Inheritance: Autosomal dominant inheritance. Observed: 1 variant allele, 1 heterozygote. Not counted in ClinVar's aggregate classification.
Comment: This study involves interpretation of variants in research participants for the purpose of population health screening. Participant phenotype was not available at the time of variant classification. Additional details can be found in publication PMID: 35346344, PMCID: PMC8962531

GeneDx
Classification: Likely benign. Last evaluated: 2018-02-06. Review status: criteria provided, single submitter. Criteria: GeneDx Variant Classification (06012015). Collection method: clinical testing. Allele origin: germline. Affected: yes. Not counted in ClinVar's aggregate classification.
Comment: This variant is considered likely benign or benign based on one or more of the following criteria: it is a conservative change, it occurs at a poorly conserved position in the protein, it is predicted to be benign by multiple in silico algorithms, and/or has population frequency not consistent with disease.

Ambry Genetics
Classification: Likely benign for Hereditary cancer-predisposing syndrome. Last evaluated: 2015-03-04. Review status: criteria provided, single submitter. Criteria: Ambry Variant Classification Scheme 2023. Collection method: clinical testing. Allele origin: germline. Not counted in ClinVar's aggregate classification.

Literature cited by the submitters: PubMed 32486089 (cited by Quest Diagnostics Nichols Institute San Juan Capistrano); PubMed 30702160 (cited by Quest Diagnostics Nichols Institute San Juan Capistrano); PubMed 33691754 (cited by Quest Diagnostics Nichols Institute San Juan Capistrano).

NM_000059.4(BRCA2):c.1806A>G (p.Gly602=)

Gene: BRCA2 (BRCA2 DNA repair associated; plus strand). Cytogenetic location: 13q13.1.
Variant type: single nucleotide variant.
Coding change: c.1806A>G on transcript NM_000059.4 (MANE Select); coding-DNA position 1806, A replaced by G.
Protein change: p.Gly602=; no amino-acid change (glycine 602 retained).
Molecular consequence: synonymous variant.
Genome position (GRCh38, 1-based): chr13:32,333,284, A>G. VCF-style: chr13-32333284-A-G. GRCh37 (hg19) VCF-style: chr13-32907421-A-G.
Identifiers: ClinVar variation 230659 (VCV000230659.17), dbSNP rs876658692, ClinGen allele CA10579507.